The following is an entry in ClinVar:

ClinVar aggregate classification (germline): Likely pathogenic (1 of 4 stars; one submission).

Submission:

Dasa
Classification: Likely pathogenic. Last evaluated: 2025-09-23. Review status: criteria provided, single submitter. Criteria: DASA Assertion Criteria. Collection method: clinical testing. Allele origin: germline.
Comment: NM_001003694.2(BRPF1):c.2915del (p.Pro972Glnfs*16) is a frameshift variant in BRPF1 predicted to alter the reading frame and introduce a premature termination codon and is predicted to result in an absent or altered protein product. Loss of function is an established disease mechanism for BRPF1 (PMID: 27939640; PMID: 27939639; PMID: 31020800). Also, this variant is rare in population databases. Based on the currently available evidence, this variant is classified as likely pathogenic.

Literature cited by the submitters: PubMed 27939640; PubMed 27939639; PubMed 31020800.

NM_001003694.2(BRPF1):c.2915del (p.Pro972fs)

Gene: BRPF1 (bromodomain and PHD finger containing 1; plus strand). Cytogenetic location: 3p25.3.
Variant type: Deletion.
Coding change: c.2915del on transcript NM_001003694.2 (MANE Select); coding-DNA position 2915, one base deleted (C; older notation c.2915delC).
Protein change: p.Pro972fs; shifts the reading frame from proline 972.
Molecular consequence: frameshift variant. On other transcripts: non-coding transcript variant (1), intron variant (4).
Genome position (GRCh38, 1-based): chr3:9,744,503, C deleted; the last of 6 consecutive C bases (chr3:9,744,498-9,744,503); deleting any one gives the same sequence. VCF-style (leftmost placement, unchanged base first): chr3-9744497-AC-A. GRCh37 (hg19) VCF-style: chr3-9786181-AC-A.
Other names: c.2894del, p.Pro965fs (NM_001319050.2, NM_001438342.1, NM_001438343.1); c.2912del, p.Pro971fs (NM_001410704.1); c.2897del, p.Pro966fs (NM_001437892.1, NM_004634.3); c.2636-505del (NM_001438344.1); c.2633-505del (NM_001438345.1); c.2618-505del (NM_001319049.2); c.2615-505del (NM_001438346.1); short protein forms P965fs, P966fs, P971fs, P972fs.
Identifiers: ClinVar variation 4880554 (VCV004880554.2).